The following is an entry in ClinVar:

ClinVar aggregate classification (germline): Likely benign (0 of 4 stars; one submission).

Conditions:
GRIN2D-related disorder. Also called: GRIN2D-related condition.

Allele frequency attached by ClinVar (database versions not stated): gnomAD exomes below 0.00001.
gnomAD v4.1: 1 of 1,064,022 alleles (0.000094%); highest among the groups gnomAD compares: Non-Finnish European, 0.00011%; no homozygotes.

Submission:

PreventionGenetics, part of Exact Sciences
Classification: Likely benign for GRIN2D-related condition. Last evaluated: 2020-12-14. Review status: no assertion criteria provided. Collection method: clinical testing. Allele origin: germline.
Comment: This variant is classified as likely benign based on ACMG/AMP sequence variant interpretation guidelines (Richards et al. 2015 PMID: 25741868, with internal and published modifications).

NM_000836.4(GRIN2D):c.70T>A (p.Cys24Ser)

Gene: GRIN2D (glutamate ionotropic receptor NMDA type subunit 2D; plus strand). Cytogenetic location: 19q13.33.
Variant type: single nucleotide variant.
Coding change: c.70T>A on transcript NM_000836.4 (MANE Select); coding-DNA position 70, T replaced by A.
Protein change: p.Cys24Ser; replaces cysteine 24 with serine.
Molecular consequence: missense variant.
Genome position (GRCh38, 1-based): chr19:48,398,462, T>A. VCF-style: chr19-48398462-T-A. GRCh37 (hg19) VCF-style: chr19-48901719-T-A.
Other names: short protein forms C24S.
Identifiers: ClinVar variation 3042328 (VCV003042328.2), dbSNP rs1600967287, ClinGen allele CA406688218.